The following is an entry in ClinVar:

NM_001206927.2(DNAH8):c.2956G>C (p.Glu986Gln)

Gene: DNAH8 (dynein axonemal heavy chain 8; plus strand). Cytogenetic location: 6p21.2.
Variant type: single nucleotide variant.
Coding change: c.2956G>C on transcript NM_001206927.2 (MANE Select); coding-DNA position 2956, G replaced by C.
Protein change: p.Glu986Gln; replaces glutamic acid 986 with glutamine.
Molecular consequence: missense variant.
Genome position (GRCh38, 1-based): chr6:38,803,233, G>C. VCF-style: chr6-38803233-G-C. GRCh37 (hg19) VCF-style: chr6-38771009-G-C.
Other names: c.2305G>C, p.Glu769Gln (NM_001371.4); short protein forms E769Q, E986Q.
Identifiers: ClinVar variation 2008966 (VCV002008966.4), dbSNP rs2532500706, ClinGen allele CA363993976.

ClinVar aggregate classification (germline): Uncertain significance (1 of 4 stars; one submission).

Conditions:
Primary ciliary dyskinesia. Also called: Ciliary dyskinesia. Identifiers: Orphanet 244, MedGen C0008780, MONDO:0016575, HP:0012265.

Submission:

Labcorp Genetics (formerly Invitae), Labcorp
Classification: Uncertain significance for Primary ciliary dyskinesia. Last evaluated: 2022-09-14. Review status: criteria provided, single submitter. Criteria: Invitae Variant Classification Sherloc (09022015). Collection method: clinical testing. Allele origin: germline.
Comment: This variant is not present in population databases (gnomAD no frequency). This sequence change replaces glutamic acid, which is acidic and polar, with glutamine, which is neutral and polar, at codon 986 of the DNAH8 protein (p.Glu986Gln). This variant has not been reported in the literature in individuals affected with DNAH8-related conditions. Advanced modeling of protein sequence and biophysical properties (such as structural, functional, and spatial information, amino acid conservation, physicochemical variation, residue mobility, and thermodynamic stability) performed at Invitae indicates that this missense variant is not expected to disrupt DNAH8 protein function. In summary, the available evidence is currently insufficient to determine the role of this variant in disease. Therefore, it has been classified as a Variant of Uncertain Significance.